The following is an entry in ClinVar:

ClinVar aggregate classification (germline): Benign/Likely benign. Review status: criteria provided, multiple submitters, no conflicts (2 of 4 stars). 4 submissions from 4 submitters: Benign (2); Likely benign (1). 1 of the submissions does not count toward it. Last evaluated 2025-09-15.

Conditions:
CHRNA2-related disorder. Also called: CHRNA2-related condition.
Familial sleep-related hypermotor epilepsy. Also called: Autosomal Dominant Sleep-Related Hypermotor (Hyperkinetic) Epilepsy. Identifiers: Orphanet 98784, MedGen C3696898, MONDO:0000030.
Inborn genetic diseases. Identifiers: MedGen C0950123, MeSH D030342.

Allele frequency attached by ClinVar (database versions not stated): gnomAD exomes 0.00004 and 0.00002; gnomAD 0.00013; TOPMed 0.00014; 1000 Genomes Project 0.00060; 1000 Genomes Project 30x 0.00078; ExAC 0.00003; ESP Exome Variant Server 0.00008.
gnomAD v4.1: 52 of 1,614,106 alleles (0.0032%); highest among the groups gnomAD compares: African/African-American, 0.063%; no homozygotes.

Submissions (4):

Labcorp Genetics (formerly Invitae), Labcorp
Classification: Benign. Last evaluated: 2025-09-15. Review status: criteria provided, single submitter. Criteria: Invitae Variant Classification Sherloc (09022015). Collection method: clinical testing. Allele origin: germline.

GeneDx
Classification: Benign. Last evaluated: 2019-08-19. Review status: criteria provided, single submitter. Criteria: GeneDx Variant Classification Process June 2021. Collection method: clinical testing. Allele origin: germline. Affected: yes.

Ambry Genetics
Classification: Likely benign for Inborn genetic diseases. Last evaluated: 2018-02-01. Review status: criteria provided, single submitter. Criteria: Ambry Variant Classification Scheme 2023. Collection method: clinical testing. Allele origin: germline.

PreventionGenetics, part of Exact Sciences
Classification: Likely benign for CHRNA2-related condition. Last evaluated: 2023-04-12. Review status: no assertion criteria provided. Collection method: clinical testing. Allele origin: germline. Not counted in ClinVar's aggregate classification.
Comment: This variant is classified as likely benign based on ACMG/AMP sequence variant interpretation guidelines (Richards et al. 2015 PMID: 25741868, with internal and published modifications).

NM_000742.4(CHRNA2):c.401G>A (p.Arg134Lys)

Gene: CHRNA2 (cholinergic receptor nicotinic alpha 2 subunit; minus strand). Cytogenetic location: 8p21.2.
Variant type: single nucleotide variant.
Coding change: c.401G>A on transcript NM_000742.4 (MANE Select); coding-DNA position 401, G replaced by A.
Protein change: p.Arg134Lys; replaces arginine 134 with lysine.
Molecular consequence: missense variant. On other transcripts: 5 prime UTR variant (4).
Genome position (GRCh38, 1-based): chr8:27,467,277, C>T on the plus strand (G>A on the coding strand, the complement: CHRNA2 is on the minus strand). VCF-style: chr8-27467277-C-T. GRCh37 (hg19) VCF-style: chr8-27324794-C-T.
Other names: p.R134K:AGG>AAG; c.356G>A, p.Arg119Lys (NM_001282455.2); c.-72G>A (NM_001347705.2, NM_001347706.2); c.-58G>A (NM_001347707.2); c.-61G>A (NM_001347708.2); short protein forms R134K, R119K.
Identifiers: ClinVar variation 204988 (VCV000204988.54), dbSNP rs150112824, ClinGen allele CA313496.
Genomic context (GRCh38, chr8:27,467,277, plus strand): 5'-ATGGCTTCCTACTTGTTGTAGAGAACAATGTCGGGGATCCAGATCATCTCAGAAGGGACC[C>T]TGAGAGATGTGATGTTGCCAAAATCAGTGGGGTTCCAGCGCAGTTTGTAGTCGCTCCACT-3'
Protein context (NP_000733.2, residues 124-144): PTDFGNITSL[Arg134Lys]VPSEMIWIPD